The following is an entry in ClinVar:

NM_022051.3(EGLN1):c.19G>C (p.Gly7Arg)

Gene: EGLN1 (egl-9 family hypoxia inducible factor 1; minus strand). Cytogenetic location: 1q42.2.
Variant type: single nucleotide variant.
Coding change: c.19G>C on transcript NM_022051.3 (MANE Select); coding-DNA position 19, G replaced by C.
Protein change: p.Gly7Arg; replaces glycine 7 with arginine.
Molecular consequence: missense variant.
Genome position (GRCh38, 1-based): chr1:231,421,870, C>G on the plus strand (G>C on the coding strand, the complement: EGLN1 is on the minus strand). VCF-style: chr1-231421870-C-G. GRCh37 (hg19) VCF-style: chr1-231557616-C-G.
Other names: c.19G>C, p.Gly7Arg (NM_001377260.1, NM_001377261.1); short protein forms G7R.
Identifiers: ClinVar variation 3843882 (VCV003843882.1).

ClinVar aggregate classification (germline): Uncertain significance (1 of 4 stars; one submission).

Submission:

Ambry Genetics
Classification: Uncertain significance. Last evaluated: 2025-01-14. Review status: criteria provided, single submitter. Criteria: Ambry Variant Classification Scheme 2023. Collection method: clinical testing. Allele origin: germline.
Comment: The p.G7R variant (also known as c.19G>C), located in coding exon 1 of the EGLN1 gene, results from a G to C substitution at nucleotide position 19. The glycine at codon 7 is replaced by arginine, an amino acid with dissimilar properties. This amino acid position is conserved. In addition, the in silico prediction for this alteration is inconclusive. Based on the available evidence, the clinical significance of this variant remains unclear.